The following is an entry in ClinVar:

ClinVar aggregate classification (germline): Uncertain significance (1 of 4 stars; one submission).

gnomAD v4.1: 1 of 1,613,284 alleles (0.000062%); highest among the groups gnomAD compares: Non-Finnish European, 0.000085%; no homozygotes.

Submission:

Labcorp Genetics (formerly Invitae), Labcorp
Classification: Uncertain significance. Last evaluated: 2021-12-11. Review status: criteria provided, single submitter. Criteria: Invitae Variant Classification Sherloc (09022015). Collection method: clinical testing. Allele origin: germline.
Comment: This sequence change replaces valine, which is neutral and non-polar, with alanine, which is neutral and non-polar, at codon 826 of the OPA1 protein (p.Val826Ala). In summary, the available evidence is currently insufficient to determine the role of this variant in disease. Therefore, it has been classified as a Variant of Uncertain Significance. Advanced modeling of protein sequence and biophysical properties (such as structural, functional, and spatial information, amino acid conservation, physicochemical variation, residue mobility, and thermodynamic stability) performed at Invitae indicates that this missense variant is not expected to disrupt OPA1 protein function. This variant has not been reported in the literature in individuals affected with OPA1-related conditions. This variant is not present in population databases (gnomAD no frequency).

NM_130837.3(OPA1):c.2642T>C (p.Val881Ala)

Gene: OPA1 (OPA1 mitochondrial dynamin like GTPase; plus strand). Cytogenetic location: 3q29.
Variant type: single nucleotide variant.
Coding change: c.2642T>C on transcript NM_130837.3 (MANE Select); coding-DNA position 2642, T replaced by C.
Protein change: p.Val881Ala; replaces valine 881 with alanine.
Molecular consequence: missense variant.
Genome position (GRCh38, 1-based): chr3:193,662,943, T>C. VCF-style: chr3-193662943-T-C. GRCh37 (hg19) VCF-style: chr3-193380732-T-C.
Other names: c.2108T>C, p.Val703Ala (NM_001354663.2); c.2105T>C, p.Val702Ala (NM_001354664.2); c.2477T>C, p.Val826Ala (NM_015560.3); c.2369T>C, p.Val790Ala (NM_130831.3); c.2423T>C, p.Val808Ala (NM_130832.3); c.2480T>C, p.Val827Ala (NM_130833.3); c.2531T>C, p.Val844Ala (NM_130834.3); c.2534T>C, p.Val845Ala (NM_130835.3); and 1 more; short protein forms V808A, V827A, V863A, V790A, V826A, V845A, V881A, V702A.
Identifiers: ClinVar variation 2039883 (VCV002039883.4), dbSNP rs1715634849, ClinGen allele CA355793276.